The following is an entry in ClinVar:

NM_000760.4(CSF3R):c.1807G>T (p.Ala603Ser)

Gene: CSF3R (colony stimulating factor 3 receptor; minus strand). Cytogenetic location: 1p34.3.
Variant type: single nucleotide variant.
Coding change: c.1807G>T on transcript NM_000760.4 (MANE Select); coding-DNA position 1807, G replaced by T.
Protein change: p.Ala603Ser; replaces alanine 603 with serine.
Molecular consequence: missense variant.
Genome position (GRCh38, 1-based): chr1:36,467,879, C>A on the plus strand (G>T on the coding strand, the complement: CSF3R is on the minus strand). VCF-style: chr1-36467879-C-A. GRCh37 (hg19) VCF-style: chr1-36933480-C-A.
Other names: c.1807G>T, p.Ala603Ser (NM_156039.3, NM_172313.3); short protein forms A603S.
Identifiers: ClinVar variation 2713032 (VCV002713032.3), dbSNP rs765606679, ClinGen allele CA769068.

ClinVar aggregate classification (germline): Uncertain significance (1 of 4 stars; one submission).

Conditions:
Autosomal recessive severe congenital neutropenia due to CSF3R deficiency. Also called: Neutropenia, severe congenital, 7, autosomal recessive. Identifiers: Orphanet 420702, MedGen C4310764, MONDO:0014865, OMIM 617014.

Allele frequency attached by ClinVar (database versions not stated): ExAC 0.00001; gnomAD 0.00001; gnomAD exomes 0.00001; TOPMed 0.00002.
gnomAD v4.1: 7 of 1,614,124 alleles (0.00043%); highest among the groups gnomAD compares: Admixed American, 0.0083%; no homozygotes.

Submission:

Labcorp Genetics (formerly Invitae), Labcorp
Classification: Uncertain significance for Autosomal recessive severe congenital neutropenia due to CSF3R deficiency. Last evaluated: 2025-01-14. Review status: criteria provided, single submitter. Criteria: Invitae Variant Classification Sherloc (09022015). Collection method: clinical testing. Allele origin: germline.
Comment: This sequence change replaces alanine, which is neutral and non-polar, with serine, which is neutral and polar, at codon 603 of the CSF3R protein (p.Ala603Ser). This variant is present in population databases (rs765606679, gnomAD 0.01%). This missense change has been observed in individual(s) with CSF3R-related conditions (PMID: 33108454). ClinVar contains an entry for this variant (Variation ID: 2713032). Invitae Evidence Modeling of protein sequence and biophysical properties (such as structural, functional, and spatial information, amino acid conservation, physicochemical variation, residue mobility, and thermodynamic stability) indicates that this missense variant is not expected to disrupt CSF3R protein function with a negative predictive value of 80%. In summary, the available evidence is currently insufficient to determine the role of this variant in disease. Therefore, it has been classified as a Variant of Uncertain Significance.

Literature cited by the submitters: PubMed 33108454.